The following is an entry in ClinVar:

NM_017721.5(CC2D1A):c.2562C>A (p.Asp854Glu)

Gene: CC2D1A (coiled-coil and C2 domain containing 1A; plus strand). Cytogenetic location: 19p13.12.
Variant type: single nucleotide variant.
Coding change: c.2562C>A on transcript NM_017721.5 (MANE Select); coding-DNA position 2562, C replaced by A.
Protein change: p.Asp854Glu; replaces aspartic acid 854 with glutamic acid.
Molecular consequence: missense variant.
Genome position (GRCh38, 1-based): chr19:13,929,421, C>A. VCF-style: chr19-13929421-C-A. GRCh37 (hg19) VCF-style: chr19-14040234-C-A.
Other names: c.2559C>A, p.Asp853Glu (NM_001411138.1); short protein forms D853E, D854E.
Identifiers: ClinVar variation 4883638 (VCV004883638.2).

ClinVar aggregate classification (germline): Uncertain significance (1 of 4 stars; one submission).

Submission:

Dasa
Classification: Uncertain significance. Last evaluated: 2025-09-15. Review status: criteria provided, single submitter. Criteria: DASA Assertion Criteria. Collection method: clinical testing. Allele origin: germline.
Comment: NM_017721.5(CC2D1A):c.2562C>A (p.Asp854Glu) is a missense variant that results in the substitution of aspartic acid with glutamic acid. This variant is rare in population databases. Computational prediction algorithms are consistent with a benign effect. The currently available literature and clinical evidence are not sufficient to establish a definitive association between this variant and the reported condition. Therefore, this variant is classified as a variant of uncertain significance.